The following is an entry in ClinVar:

ClinVar aggregate classification (germline): Pathogenic/Likely pathogenic. Review status: criteria provided, multiple submitters, no conflicts (2 of 4 stars). 2 submissions from 2 submitters: Pathogenic (1); Likely pathogenic (1). Last evaluated 2022-09-27.

Conditions:
Familial cancer of breast. Also called: BREAST CANCER, FAMILIAL; hereditary breast carcinoma; Hereditary breast cancer. Identifiers: Orphanet 227535, MedGen C0346153, MONDO:0016419, OMIM 114480. Disease mechanism: loss of function.
Ataxia-telangiectasia syndrome (AT). Also called: Ataxia-telangiectasia, complementation group E; Ataxia telangiectasia (A-T); LOUIS-BAR SYNDROME; Ataxia-telangiectasia, complementation group D; AT, COMPLEMENTATION GROUP C; Ataxia-telangiectasia. Identifiers: Orphanet 100, MedGen C0004135, MONDO:0008840, OMIM 208900.

Submissions (2):

Baylor Genetics
Classification: Likely pathogenic for Familial cancer of breast. Last evaluated: 2022-09-27. Review status: criteria provided, single submitter. Criteria: ACMG Guidelines, 2015. Collection method: clinical testing. Allele origin: unknown.

Labcorp Genetics (formerly Invitae), Labcorp
Classification: Pathogenic for Ataxia-telangiectasia syndrome. Last evaluated: 2022-06-07. Review status: criteria provided, single submitter. Criteria: Invitae Variant Classification Sherloc (09022015). Collection method: clinical testing. Allele origin: germline.
Comment: This sequence change creates a premature translational stop signal (p.Leu348Phefs*10) in the ATM gene. It is expected to result in an absent or disrupted protein product. Loss-of-function variants in ATM are known to be pathogenic (PMID: 23807571, 25614872). This variant is not present in population databases (gnomAD no frequency). ClinVar contains an entry for this variant (Variation ID: 835059). For these reasons, this variant has been classified as Pathogenic. This variant has not been reported in the literature in individuals affected with ATM-related conditions.

Literature cited by the submitters: PubMed 23807571 (cited by Labcorp Genetics (formerly Invitae), Labcorp); PubMed 25614872 (cited by Labcorp Genetics (formerly Invitae), Labcorp).

NM_000051.4(ATM):c.1044_1045del (p.Leu348fs)

Gene: ATM (ATM serine/threonine kinase; plus strand). Cytogenetic location: 11q22.3.
Variant type: Deletion.
Coding change: c.1044_1045del on transcript NM_000051.4 (MANE Select); coding-DNA positions 1044 to 1045, 2 bases deleted (GA; older notation c.1044_1045delGA).
Protein change: p.Leu348fs; shifts the reading frame from leucine 348.
Molecular consequence: frameshift variant.
Genome position (GRCh38, 1-based): chr11:108,247,106-108,247,107, GA deleted. VCF-style (leftmost placement, unchanged base first): chr11-108247105-TGA-T. GRCh37 (hg19) VCF-style: chr11-108117832-TGA-T.
Other names: c.1044_1045del, p.Leu348fs (NM_001351834.2); short protein forms L348fs.
Identifiers: ClinVar variation 835059 (VCV000835059.8), dbSNP rs2079890365, ClinGen allele CA916080495.